The following is an entry in ClinVar:

ClinVar aggregate classification (germline): Uncertain significance. Review status: criteria provided, multiple submitters, no conflicts (2 of 4 stars). 2 submissions from 2 submitters: Uncertain significance (2). Last evaluated 2024-06-18.

gnomAD v4.1: 2 of 1,613,704 alleles (0.00012%); highest among the groups gnomAD compares: African/African-American, 0.0027%; no homozygotes.

Submissions (2):

GeneDx
Classification: Uncertain significance. Last evaluated: 2024-06-18. Review status: criteria provided, single submitter. Criteria: GeneDx Variant Classification Process June 2021. Collection method: clinical testing. Allele origin: germline. Affected: yes.
Comment: Not observed at significant frequency in large population cohorts (gnomAD); In silico analysis indicates that this missense variant does not alter protein structure/function; Has not been previously published as pathogenic or benign to our knowledge

Labcorp Genetics (formerly Invitae), Labcorp
Classification: Uncertain significance. Last evaluated: 2023-08-15. Review status: criteria provided, single submitter. Criteria: Invitae Variant Classification Sherloc (09022015). Collection method: clinical testing. Allele origin: germline.
Comment: This sequence change replaces glutamic acid, which is acidic and polar, with glutamine, which is neutral and polar, at codon 1506 of the MYO3A protein (p.Glu1506Gln). This variant is not present in population databases (gnomAD no frequency). This variant has not been reported in the literature in individuals affected with MYO3A-related conditions. An algorithm developed to predict the effect of missense changes on protein structure and function (PolyPhen-2) suggests that this variant is likely to be disruptive. In summary, the available evidence is currently insufficient to determine the role of this variant in disease. Therefore, it has been classified as a Variant of Uncertain Significance.

NM_017433.5(MYO3A):c.4516G>C (p.Glu1506Gln)

Gene: MYO3A (myosin IIIA; plus strand). Cytogenetic location: 10p12.1.
Variant type: single nucleotide variant.
Coding change: c.4516G>C on transcript NM_017433.5 (MANE Select); coding-DNA position 4516, G replaced by C.
Protein change: p.Glu1506Gln; replaces glutamic acid 1506 with glutamine.
Molecular consequence: missense variant.
Genome position (GRCh38, 1-based): chr10:26,193,282, G>C. VCF-style: chr10-26193282-G-C. GRCh37 (hg19) VCF-style: chr10-26482211-G-C.
Other names: c.4516G>C (NM_017433.4); short protein forms E1506Q.
Identifiers: ClinVar variation 2917710 (VCV002917710.4), dbSNP rs779605870, ClinGen allele CA376344643.
Genomic context (GRCh38, chr10:26,193,282, plus strand): 5'-GAGCCAAAAATATTGAGACCCCCAAGACGACCCCGGAAACCCAAAACATTAAATAACCCT[G>C]AAGACTCCACATACTATTATCTACTTCATGTAAGTGGCTCACTCTTACTATCAGATGGGA-3'
Protein context (NP_059129.3, residues 1496-1516): PRKPKTLNNP[Glu1506Gln]DSTYYYLLHK